The following is an entry in ClinVar:

ClinVar aggregate classification (germline): Uncertain significance (1 of 4 stars; one submission).

Submission:

Labcorp Genetics (formerly Invitae), Labcorp
Classification: Uncertain significance. Last evaluated: 2025-03-31. Review status: criteria provided, single submitter. Criteria: Invitae Variant Classification Sherloc (09022015). Collection method: clinical testing. Allele origin: germline.
Comment: This sequence change replaces lysine, which is basic and polar, with asparagine, which is neutral and polar, at codon 54 of the CSGALNACT1 protein (p.Lys54Asn). This variant is not present in population databases (gnomAD no frequency). This variant has not been reported in the literature in individuals affected with CSGALNACT1-related conditions. ClinVar contains an entry for this variant (Variation ID: 1494876). Invitae Evidence Modeling of protein sequence and biophysical properties (such as structural, functional, and spatial information, amino acid conservation, physicochemical variation, residue mobility, and thermodynamic stability) indicates that this missense variant is not expected to disrupt CSGALNACT1 protein function with a negative predictive value of 80%. In summary, the available evidence is currently insufficient to determine the role of this variant in disease. Therefore, it has been classified as a Variant of Uncertain Significance.

NM_001354483.2(CSGALNACT1):c.162G>C (p.Lys54Asn)

Gene: CSGALNACT1 (chondroitin sulfate N-acetylgalactosaminyltransferase 1; minus strand). Cytogenetic location: 8p21.3.
Variant type: single nucleotide variant.
Coding change: c.162G>C on transcript NM_001354483.2 (MANE Select); coding-DNA position 162, G replaced by C.
Protein change: p.Lys54Asn; replaces lysine 54 with asparagine.
Molecular consequence: missense variant. On other transcripts: non-coding transcript variant (7).
Genome position (GRCh38, 1-based): chr8:19,505,673, C>G on the plus strand (G>C on the coding strand, the complement: CSGALNACT1 is on the minus strand). VCF-style: chr8-19505673-C-G. GRCh37 (hg19) VCF-style: chr8-19363184-C-G.
Other names: c.162G>C, p.Lys54Asn (NM_001130518.2, NM_001354475.2, NM_001354476.2 and 18 more transcripts); short protein forms K54N.
Identifiers: ClinVar variation 1494876 (VCV001494876.6), dbSNP rs1193464705, ClinGen allele CA370462098.